The following is an entry in ClinVar:

NM_001735.3(C5):c.2491T>C (p.Tyr831His)

Gene: C5 (complement C5; minus strand). Cytogenetic location: 9q33.2.
Variant type: single nucleotide variant.
Coding change: c.2491T>C on transcript NM_001735.3 (MANE Select); coding-DNA position 2491, T replaced by C.
Protein change: p.Tyr831His; replaces tyrosine 831 with histidine.
Molecular consequence: missense variant.
Genome position (GRCh38, 1-based): chr9:121,005,990, A>G on the plus strand (T>C on the coding strand, the complement: C5 is on the minus strand). VCF-style: chr9-121005990-A-G. GRCh37 (hg19) VCF-style: chr9-123768268-A-G.
Other names: c.2509T>C, p.Tyr837His (NM_001317163.2); c.2491T>C, p.Tyr831His (NM_001317164.2); short protein forms Y831H, Y837H.
Identifiers: ClinVar variation 1439625 (VCV001439625.7), dbSNP rs1352441352, ClinGen allele CA374739815.

ClinVar aggregate classification (germline): Uncertain significance. Review status: criteria provided, multiple submitters, no conflicts (2 of 4 stars). 2 submissions from 2 submitters: Uncertain significance (2). Last evaluated 2024-05-22.

Conditions:
Eculizumab, poor response to. Identifiers: MedGen C3810402, OMIM 615749.
Complement component 5 deficiency. Also called: C5 DEFICIENCY. Identifiers: MedGen C0343047, MONDO:0012295, OMIM 609536.

Allele frequency attached by ClinVar (database versions not stated): gnomAD exomes below 0.00001; gnomAD 0.00002; TOPMed 0.00002.
gnomAD v4.1: 9 of 1,613,384 alleles (0.00056%); highest among the groups gnomAD compares: Non-Finnish European, 0.00076%; no homozygotes.

Submissions (2):

Labcorp Genetics (formerly Invitae), Labcorp
Classification: Uncertain significance. Last evaluated: 2024-05-22. Review status: criteria provided, single submitter. Criteria: Invitae Variant Classification Sherloc (09022015). Collection method: clinical testing. Allele origin: germline.
Comment: This sequence change replaces tyrosine, which is neutral and polar, with histidine, which is basic and polar, at codon 831 of the C5 protein (p.Tyr831His). This variant is not present in population databases (gnomAD no frequency). This variant has not been reported in the literature in individuals affected with C5-related conditions. ClinVar contains an entry for this variant (Variation ID: 1439625). Advanced modeling of protein sequence and biophysical properties (such as structural, functional, and spatial information, amino acid conservation, physicochemical variation, residue mobility, and thermodynamic stability) performed at Invitae indicates that this missense variant is not expected to disrupt C5 protein function with a negative predictive value of 80%. In summary, the available evidence is currently insufficient to determine the role of this variant in disease. Therefore, it has been classified as a Variant of Uncertain Significance.

Fulgent Genetics
Classification: Uncertain significance for Complement component 5 deficiency; Eculizumab, poor response to. Last evaluated: 2021-10-21. Review status: criteria provided, single submitter. Criteria: ACMG Guidelines, 2015. Collection method: clinical testing. Allele origin: unknown.